The following is an entry in ClinVar:

NM_001440.4(EXTL3):c.1970A>T (p.Asn657Ile)

Gene: EXTL3 (exostosin like glycosyltransferase 3; plus strand). Cytogenetic location: 8p21.1.
Variant type: single nucleotide variant.
Coding change: c.1970A>T on transcript NM_001440.4 (MANE Select); coding-DNA position 1970, A replaced by T.
Protein change: p.Asn657Ile; replaces asparagine 657 with isoleucine.
Molecular consequence: missense variant.
Genome position (GRCh38, 1-based): chr8:28,718,029, A>T. VCF-style: chr8-28718029-A-T. GRCh37 (hg19) VCF-style: chr8-28575546-A-T.
Other names: c.1970A>T, p.Asn657Ile (NM_001437797.1, NM_001438399.1, NM_001438400.1 and 4 more transcripts); short protein forms N657I.
Identifiers: ClinVar variation 4742920 (VCV004742920.1).

ClinVar aggregate classification (germline): Uncertain significance (1 of 4 stars; one submission).

Submission:

Labcorp Genetics (formerly Invitae), Labcorp
Classification: Uncertain significance. Last evaluated: 2025-07-06. Review status: criteria provided, single submitter. Criteria: Invitae Variant Classification Sherloc (09022015). Collection method: clinical testing. Allele origin: germline.
Comment: This sequence change replaces asparagine, which is neutral and polar, with isoleucine, which is neutral and non-polar, at codon 657 of the EXTL3 protein (p.Asn657Ile). This variant is not present in population databases (gnomAD no frequency). This variant has not been reported in the literature in individuals affected with EXTL3-related conditions. Invitae Evidence Modeling of protein sequence and biophysical properties (such as structural, functional, and spatial information, amino acid conservation, physicochemical variation, residue mobility, and thermodynamic stability) indicates that this missense variant is not expected to disrupt EXTL3 protein function with a negative predictive value of 80%. In summary, the available evidence is currently insufficient to determine the role of this variant in disease. Therefore, it has been classified as a Variant of Uncertain Significance.